The following is an entry in ClinVar:

NM_001378414.1(HDAC4):c.342A>G (p.Gln114=)

Gene: HDAC4 (histone deacetylase 4; minus strand). Cytogenetic location: 2q37.3.
Variant type: single nucleotide variant.
Coding change: c.342A>G on transcript NM_001378414.1 (MANE Select); coding-DNA position 342, A replaced by G.
Protein change: p.Gln114=; no amino-acid change (glutamine 114 retained).
Molecular consequence: synonymous variant.
Genome position (GRCh38, 1-based): chr2:239,176,561, T>C on the plus strand (A>G on the coding strand, the complement: HDAC4 is on the minus strand). VCF-style: chr2-239176561-T-C. GRCh37 (hg19) VCF-style: chr2-240098257-T-C.
Other names: c.342A>G, p.Gln114= (NM_001378415.1, NM_001378416.1, NM_001378417.1 and 1 more transcripts).
Identifiers: ClinVar variation 1398019 (VCV001398019.6), dbSNP rs559517869, ClinGen allele CA68041409.
Genomic context (GRCh38, chr2:239,176,561, plus strand): 5'-CAGCTTCCGCTGGTGTTCCAGCAGCTCCTGCTGGTGCTTCATGGCCAGCATCTCCTGTTG[T>C]TGCTGCAAGTGGAAGGAGGAGACAGACGGTCAGAGCCCAGGCTCCACACACACACAGAGA-3'
Protein context (NP_001365343.1, residues 104-124): HEAQLHEHIK[Gln114=]QQEMLAMKHQ

ClinVar aggregate classification (germline): Uncertain significance (1 of 4 stars; one submission).

Allele frequency attached by ClinVar (database versions not stated): gnomAD exomes below 0.00001; gnomAD 0.00001; TOPMed 0.00002.
gnomAD v4.1: 6 of 1,612,696 alleles (0.00037%); highest among the groups gnomAD compares: Non-Finnish European, 0.00051%; no homozygotes.

Submission:

Labcorp Genetics (formerly Invitae), Labcorp
Classification: Uncertain significance. Last evaluated: 2022-08-15. Review status: criteria provided, single submitter. Criteria: Invitae Variant Classification Sherloc (09022015). Collection method: clinical testing. Allele origin: germline.
Comment: In summary, the available evidence is currently insufficient to determine the role of this variant in disease. Therefore, it has been classified as a Variant of Uncertain Significance. Algorithms developed to predict the effect of sequence changes on RNA splicing suggest that this variant may create or strengthen a splice site. ClinVar contains an entry for this variant (Variation ID: 1398019). This variant has not been reported in the literature in individuals affected with HDAC4-related conditions. This variant is not present in population databases (gnomAD no frequency). This sequence change affects codon 114 of the HDAC4 mRNA. It is a 'silent' change, meaning that it does not change the encoded amino acid sequence of the HDAC4 protein.